The following is an entry in ClinVar:

NM_001278512.2(AP3B2):c.1777G>A (p.Gly593Arg)

Genes: AP3B2 (adaptor related protein complex 3 subunit beta 2; minus strand), CPEB1-AS1 (CPEB1 antisense RNA 1; plus strand). Cytogenetic location: 15q25.2.
Variant type: single nucleotide variant.
Coding change: c.1777G>A on transcript NM_001278512.2 (MANE Select); coding-DNA position 1777, G replaced by A.
Protein change: p.Gly593Arg; replaces glycine 593 with arginine.
Molecular consequence: missense variant.
Genome position (GRCh38, 1-based): chr15:82,666,822, C>T on the plus strand (G>A on the coding strand, the complement: AP3B2 is on the minus strand). VCF-style: chr15-82666822-C-T. GRCh37 (hg19) VCF-style: chr15-83335574-C-T.
Other names: c.1681G>A, p.Gly561Arg (NM_001278511.2); c.1777G>A, p.Gly593Arg (NM_004644.5); short protein forms G593R, G561R.
Identifiers: ClinVar variation 2016210 (VCV002016210.2), dbSNP rs2548700844, ClinGen allele CA393313924.

ClinVar aggregate classification (germline): Uncertain significance (1 of 4 stars; one submission).

Submission:

Labcorp Genetics (formerly Invitae), Labcorp
Classification: Uncertain significance. Last evaluated: 2022-07-11. Review status: criteria provided, single submitter. Criteria: Invitae Variant Classification Sherloc (09022015). Collection method: clinical testing. Allele origin: germline.
Comment: In summary, the available evidence is currently insufficient to determine the role of this variant in disease. Therefore, it has been classified as a Variant of Uncertain Significance. Algorithms developed to predict the effect of sequence changes on RNA splicing suggest that this variant may create or strengthen a splice site. Algorithms developed to predict the effect of missense changes on protein structure and function are either unavailable or do not agree on the potential impact of this missense change (SIFT: "Tolerated"; PolyPhen-2: "Possibly Damaging"; Align-GVGD: "Class C0"). This variant has not been reported in the literature in individuals affected with AP3B2-related conditions. This variant is not present in population databases (gnomAD no frequency). This sequence change replaces glycine, which is neutral and non-polar, with arginine, which is basic and polar, at codon 593 of the AP3B2 protein (p.Gly593Arg).